The following is an entry in ClinVar:

NM_006231.4(POLE):c.286-6_286-5insGGTTGGTGACTCTTTTTTTTTTTTTTTTTTTTTTNNNNNNNNNNGGAGGCCAAGGCAGGCGGCTGGGAGGTGGTTGTAGCGAGCCGAGATCACGCCACTGCACTCCAGCCTGGGCAA

Gene: POLE (DNA polymerase epsilon, catalytic subunit; minus strand). Cytogenetic location: 12q24.33.
Variant type: Insertion.
Coding change: c.286-6_286-5insGGTTGGTGACTCTTTTTTTTTTTTTTTTTTTTTTNNNNNNNNNNGGAGGCCAAGGCAGGCGGCTGGGAGGTGGTTGTAGCGAGCCGAGATCACGCCACTGCACTCCAGCCTGGGCAA on transcript NM_006231.4 (MANE Select); 6 bases into the intron before coding-DNA position 286 through 5 bases into the intron before coding-DNA position 286, GGTTGGTGACTCTTTTTTTTTTTTTTTTTTTTTTNNNNNNNNNNGGAGGCCAAGGCAGGCGGCTGGGAGGTGGTTGTAGCGAGCCGAGATCACGCCACTGCACTCCAGCCTGGGCAA inserted.
Molecular consequence: intron variant.
Genome position: GRCh38: chr12:132,680,241-132,680,242. GRCh37 (hg19): chr12:133,256,827-133,256,828.
Identifiers: ClinVar variation 2813672 (VCV002813672.3), dbSNP rs2542192018.

ClinVar aggregate classification (germline): Uncertain significance (1 of 4 stars; one submission).

Submission:

Labcorp Genetics (formerly Invitae), Labcorp
Classification: Uncertain significance. Last evaluated: 2022-11-11. Review status: criteria provided, single submitter. Criteria: Invitae Variant Classification Sherloc (09022015). Collection method: clinical testing. Allele origin: germline.
Comment: In summary, the available evidence is currently insufficient to determine the role of this variant in disease. Therefore, it has been classified as a Variant of Uncertain Significance. Algorithms developed to predict the effect of sequence changes on RNA splicing suggest that this variant may disrupt the consensus splice site. This variant has not been reported in the literature in individuals affected with POLE-related conditions. This variant is not present in population databases (gnomAD no frequency). This sequence change falls in intron 3 of the POLE gene. It does not directly change the encoded amino acid sequence of the POLE protein.